The following is an entry in ClinVar:

ClinVar aggregate classification (germline): Uncertain significance (1 of 4 stars; one submission).

Allele frequency attached by ClinVar (database versions not stated): gnomAD exomes below 0.00001.
gnomAD v4.1: 2 of 1,540,272 alleles (0.00013%); highest among the groups gnomAD compares: Non-Finnish European, 0.00018%; no homozygotes.

Submission:

Labcorp Genetics (formerly Invitae), Labcorp
Classification: Uncertain significance. Last evaluated: 2023-10-10. Review status: criteria provided, single submitter. Criteria: Invitae Variant Classification Sherloc (09022015). Collection method: clinical testing. Allele origin: germline.
Comment: This sequence change replaces proline, which is neutral and non-polar, with leucine, which is neutral and non-polar, at codon 3443 of the ZNF469 protein (p.Pro3443Leu). This variant is present in population databases (no rsID available, gnomAD 0.002%). This variant has not been reported in the literature in individuals affected with ZNF469-related conditions. An algorithm developed to predict the effect of missense changes on protein structure and function (PolyPhen-2) suggests that this variant is likely to be disruptive. In summary, the available evidence is currently insufficient to determine the role of this variant in disease. Therefore, it has been classified as a Variant of Uncertain Significance.

NM_001367624.2(ZNF469):c.10412C>T (p.Pro3471Leu)

Gene: ZNF469 (zinc finger protein 469; plus strand). Cytogenetic location: 16q24.2.
Variant type: single nucleotide variant.
Coding change: c.10412C>T on transcript NM_001367624.2 (MANE Select); coding-DNA position 10412, C replaced by T.
Protein change: p.Pro3471Leu; replaces proline 3471 with leucine.
Molecular consequence: missense variant.
Genome position (GRCh38, 1-based): chr16:88,437,882, C>T. VCF-style: chr16-88437882-C-T. GRCh37 (hg19) VCF-style: chr16-88504290-C-T.
Other names: short protein forms P3471L.
Identifiers: ClinVar variation 2957142 (VCV002957142.3), dbSNP rs1189415377, ClinGen allele CA397126926.
Genomic context (GRCh38, chr16:88,437,882, plus strand): 5'-GCGGCGTGCGGAGGCCGGGAGCGCCGGGACAGAAGGCCCGGGCCCTCGAGGGCACACTGC[C>T]CAGCAAACGGCGCAGGGTGGCCATGCCCGGCAGTGCCCCTGGGCCCGGCGAGGACAGGCC-3'
Protein context (NP_001354553.1, residues 3461-3481): QKARALEGTL[Pro3471Leu]SKRRRVAMPG